The following is an entry in ClinVar:

ClinVar aggregate classification (germline): Conflicting classifications of pathogenicity. Review status: criteria provided, conflicting classifications (1 of 4 stars). 4 submissions from 4 submitters: Uncertain significance (3); Likely benign (1). Last evaluated 2026-08-17.

Conditions:
Familial isolated arrhythmogenic right ventricular dysplasia. Identifiers: Orphanet 217656, MedGen C4274968, MONDO:0016342.
Cardiomyopathy (CMYO). Also called: Cardiomyopathies. Identifiers: Orphanet 167848, MedGen C0878544, MONDO:0004994, HP:0001638. Inheritance: Various modes of inheritance.
Arrhythmogenic right ventricular dysplasia 11. Also called: Arrhythmogenic Right Ventricular Dysplasia/Cardiomyopathy11; ARRHYTHMOGENIC RIGHT VENTRICULAR DYSPLASIA, FAMILIAL, 11; Arrhythmogenic right ventricular dysplasia 11 with mild palmoplantar keratoderma and woolly hair. Identifiers: MedGen C1864850, MONDO:0012506, OMIM 610476.
Cardiovascular phenotype. Identifiers: MedGen CN230736.

Allele frequency attached by ClinVar (database versions not stated): gnomAD exomes 0.00002; gnomAD 0.00001; ExAC 0.00002.
gnomAD v4.1: 21 of 1,613,972 alleles (0.0013%); highest among the groups gnomAD compares: Admixed American, 0.0083%; no homozygotes.

Submissions (4):

Ambry Genetics
Classification: Likely benign for Cardiovascular phenotype. Last evaluated: 2026-08-17. Review status: criteria provided, single submitter. Criteria: Ambry Variant Classification Scheme 2023. Collection method: clinical testing. Allele origin: germline.

Labcorp Genetics (formerly Invitae), Labcorp
Classification: Uncertain significance for Arrhythmogenic right ventricular dysplasia 11. Last evaluated: 2025-02-12. Review status: criteria provided, single submitter. Criteria: Invitae Variant Classification Sherloc (09022015). Collection method: clinical testing. Allele origin: germline.
Comment: This sequence change replaces arginine, which is basic and polar, with histidine, which is basic and polar, at codon 279 of the DSC2 protein (p.Arg279His). This variant is present in population databases (rs775614779, gnomAD 0.006%). This variant has not been reported in the literature in individuals affected with DSC2-related conditions. ClinVar contains an entry for this variant (Variation ID: 964678). Invitae Evidence Modeling of protein sequence and biophysical properties (such as structural, functional, and spatial information, amino acid conservation, physicochemical variation, residue mobility, and thermodynamic stability) has been performed for this missense variant. However, the output from this modeling did not meet the statistical confidence thresholds required to predict the impact of this variant on DSC2 protein function. In summary, the available evidence is currently insufficient to determine the role of this variant in disease. Therefore, it has been classified as a Variant of Uncertain Significance.

All of Us Research Program, National Institutes of Health
Classification: Uncertain significance for Familial isolated arrhythmogenic right ventricular dysplasia. Last evaluated: 2023-07-10. Review status: criteria provided, single submitter. Criteria: ACMG Guidelines, 2015. Collection method: clinical testing. Allele origin: germline. Inheritance: Autosomal dominant inheritance. Observed: 2 variant alleles, 2 heterozygotes.
Comment: This missense variant replaces arginine with histidine at codon 279 of the DSC2 protein. Computational prediction suggests that this variant may not impact protein structure and function (internally defined REVEL score threshold <= 0.5, PMID: 27666373). To our knowledge, functional studies have not been reported for this variant. This variant has not been reported in individuals affected with cardiovascular disorders in the literature. This variant has been identified in 4/251354 chromosomes in the general population by the Genome Aggregation Database (gnomAD). The available evidence is insufficient to determine the role of this variant in disease conclusively. Therefore, this variant is classified as a Variant of Uncertain Significance.

This study involves interpretation of variants in research participants for the purpose of population health screening. Participant phenotype was not available at the time of variant classification. Additional details can be found in publication PMID: 35346344, PMCID: PMC8962531

Color Diagnostics, LLC DBA Color Health
Classification: Uncertain significance for Cardiomyopathy. Last evaluated: 2022-12-14. Review status: criteria provided, single submitter. Criteria: ACMG Guidelines, 2015. Collection method: clinical testing. Allele origin: germline.
Comment: This missense variant replaces arginine with histidine at codon 279 of the DSC2 protein. Computational prediction suggests that this variant may not impact protein structure and function (internally defined REVEL score threshold <= 0.5, PMID: 27666373). To our knowledge, functional studies have not been reported for this variant. This variant has not been reported in individuals affected with cardiovascular disorders in the literature. This variant has been identified in 4/251354 chromosomes in the general population by the Genome Aggregation Database (gnomAD). The available evidence is insufficient to determine the role of this variant in disease conclusively. Therefore, this variant is classified as a Variant of Uncertain Significance.

NM_024422.6(DSC2):c.836G>A (p.Arg279His)

Gene: DSC2 (desmocollin 2; minus strand). Cytogenetic location: 18q12.1.
Variant type: single nucleotide variant.
Coding change: c.836G>A on transcript NM_024422.6 (MANE Select); coding-DNA position 836, G replaced by A.
Protein change: p.Arg279His; replaces arginine 279 with histidine.
Molecular consequence: missense variant.
Genome position (GRCh38, 1-based): chr18:31,086,682, C>T on the plus strand (G>A on the coding strand, the complement: DSC2 is on the minus strand). VCF-style: chr18-31086682-C-T. GRCh37 (hg19) VCF-style: chr18-28666645-C-T.
Other names: c.836G>A, p.Arg279His (NM_004949.5); c.836G>A (NM_024422.3); short protein forms R279H.
Identifiers: ClinVar variation 964678 (VCV000964678.12), dbSNP rs775614779, ClinGen allele CA040193.